The following is an entry in ClinVar:

ClinVar aggregate classification (germline): Pathogenic. Review status: reviewed by expert panel (3 of 4 stars). 2 submissions from 2 submitters: Pathogenic (1). 1 of the submissions does not count toward it. Last evaluated 2017-12-15.

Conditions:
Breast-ovarian cancer, familial, susceptibility to, 2 (BROVCA2). Also called: BRCA2 Hereditary Breast and Ovarian Cancer. Identifiers: Orphanet 145, MedGen C2675520, MONDO:0012933, OMIM 612555. Disease mechanism: loss of function.
Familial cancer of breast. Also called: BREAST CANCER, FAMILIAL; Hereditary breast cancer; hereditary breast carcinoma. Identifiers: Orphanet 227535, MedGen C0346153, MONDO:0016419, OMIM 114480. Disease mechanism: loss of function.

Submissions (2):

Evidence-based Network for the Interpretation of Germline Mutant Alleles (ENIGMA)
Classification: Pathogenic for Breast-ovarian cancer, familial, susceptibility to, 2. Last evaluated: 2017-12-15. Review status: reviewed by expert panel. Criteria: ENIGMA BRCA1/2 Classification Criteria (2017-06-29). Collection method: curation. Allele origin: germline. Study: ENIGMA.
Comment: Variant allele predicted to encode a truncated non-functional protein.

ClinVar Staff, National Center for Biotechnology Information (NCBI)
No classification provided. Condition: Familial cancer of breast. Review status: no classification provided. Collection method: literature only. Allele origin: germline. Affected: yes. Not counted in ClinVar's aggregate classification.

Literature cited by the submitters: PubMed 19016756 (cited by ClinVar Staff, National Center for Biotechnology Information (NCBI)).

NM_000059.4(BRCA2):c.2612delinsTTT (p.Ser871fs)

Gene: BRCA2 (BRCA2 DNA repair associated; plus strand). Cytogenetic location: 13q13.1.
Variant type: Indel.
Coding change: c.2612delinsTTT on transcript NM_000059.4 (MANE Select); coding-DNA position 2612, C replaced by TTT.
Protein change: p.Ser871fs; shifts the reading frame from serine 871.
Molecular consequence: frameshift variant.
Genome position (GRCh38, 1-based): chr13:32,336,967, C replaced by TTT. VCF-style: chr13-32336967-C-TTT. GRCh37 (hg19) VCF-style: chr13-32911104-C-TTT.
Other names: c.2612delCinsTTT (NM_000059.3); short protein forms S871fs.
Identifiers: ClinVar variation 51316 (VCV000051316.3), dbSNP rs397507635, ClinGen allele CA325847.